The following is an entry in ClinVar:

NM_006017.3(PROM1):c.1838C>T (p.Ala613Val)

Gene: PROM1 (prominin 1; minus strand). Cytogenetic location: 4p15.32.
Variant type: single nucleotide variant.
Coding change: c.1838C>T on transcript NM_006017.3 (MANE Select); coding-DNA position 1838, C replaced by T.
Protein change: p.Ala613Val; replaces alanine 613 with valine.
Molecular consequence: missense variant.
Genome position (GRCh38, 1-based): chr4:15,992,321, G>A on the plus strand (C>T on the coding strand, the complement: PROM1 is on the minus strand). VCF-style: chr4-15992321-G-A. GRCh37 (hg19) VCF-style: chr4-15993944-G-A.
Other names: c.1811C>T, p.Ala604Val (NM_001145847.2, NM_001145848.2, NM_001145851.2 and 4 more transcripts); c.1838C>T, p.Ala613Val (NM_001145849.2, NM_001145850.2); c.1838C>T (NM_006017.2); short protein forms A613V, A604V.
Identifiers: ClinVar variation 2978346 (VCV002978346.4), dbSNP rs1721268649, ClinGen allele CA356430916.

ClinVar aggregate classification (germline): Uncertain significance. Review status: criteria provided, multiple submitters, no conflicts (2 of 4 stars). 2 submissions from 2 submitters: Uncertain significance (2). Last evaluated 2026-05-14.

Conditions:
Inborn genetic diseases. Identifiers: MedGen C0950123, MeSH D030342.

Allele frequency attached by ClinVar (database versions not stated): gnomAD exomes below 0.00001.
gnomAD v4.1: 5 of 1,613,790 alleles (0.00031%); highest among the groups gnomAD compares: Non-Finnish European, 0.00042%; no homozygotes.

Submissions (2):

Ambry Genetics
Classification: Uncertain significance for Inborn genetic diseases. Last evaluated: 2026-05-14. Review status: criteria provided, single submitter. Criteria: Ambry Variant Classification Scheme 2023. Collection method: clinical testing. Allele origin: germline.

Labcorp Genetics (formerly Invitae), Labcorp
Classification: Uncertain significance. Last evaluated: 2023-04-26. Review status: criteria provided, single submitter. Criteria: Invitae Variant Classification Sherloc (09022015). Collection method: clinical testing. Allele origin: germline.
Comment: In summary, the available evidence is currently insufficient to determine the role of this variant in disease. Therefore, it has been classified as a Variant of Uncertain Significance. Advanced modeling of protein sequence and biophysical properties (such as structural, functional, and spatial information, amino acid conservation, physicochemical variation, residue mobility, and thermodynamic stability) performed at Invitae indicates that this missense variant is not expected to disrupt PROM1 protein function. This variant has not been reported in the literature in individuals affected with PROM1-related conditions. This variant is not present in population databases (gnomAD no frequency). This sequence change replaces alanine, which is neutral and non-polar, with valine, which is neutral and non-polar, at codon 613 of the PROM1 protein (p.Ala613Val).